The following is an entry in ClinVar:

NC_000006.12:g.(?_129349278)_(129403979_?)del

Gene: LAMA2 (laminin subunit alpha 2; plus strand). Cytogenetic location: 6q22.33.
Variant type: Deletion.
Identifiers: ClinVar variation 543887 (VCV000543887.2).

ClinVar aggregate classification (germline): Pathogenic (1 of 4 stars; one submission).

Conditions:
LAMA2-related muscular dystrophy (LAMA2-RD). Also called: Laminin alpha 2-related dystrophy. Identifiers: MedGen C5679788, MONDO:0100228.

Submission:

Labcorp Genetics (formerly Invitae), Labcorp
Classification: Pathogenic for Laminin alpha 2-related dystrophy. Last evaluated: 2018-11-08. Review status: criteria provided, single submitter. Criteria: Invitae Variant Classification Sherloc (09022015). Collection method: clinical testing. Allele origin: germline.
Comment: This variant is an out-of-frame deletion of the genomic region encompassing exons 31-40 of the LAMA2 gene. This is expected to create a premature translational stop signal and result in an absent or disrupted protein product. This variant has not been reported in the literature in individuals with LAMA2-related disease. Loss-of-function variants in LAMA2 are known to be pathogenic (PMID: 18700894). For these reasons, this variant has been classified as Pathogenic.